The following is an entry in ClinVar:

NM_014795.4(ZEB2):c.2602G>A (p.Glu868Lys)

Gene: ZEB2 (zinc finger E-box binding homeobox 2; minus strand). Cytogenetic location: 2q22.3.
Variant type: single nucleotide variant.
Coding change: c.2602G>A on transcript NM_014795.4 (MANE Select); coding-DNA position 2602, G replaced by A.
Protein change: p.Glu868Lys; replaces glutamic acid 868 with lysine.
Molecular consequence: missense variant.
Genome position (GRCh38, 1-based): chr2:144,398,585, C>T on the plus strand (G>A on the coding strand, the complement: ZEB2 is on the minus strand). VCF-style: chr2-144398585-C-T. GRCh37 (hg19) VCF-style: chr2-145156152-C-T.
Other names: c.2530G>A, p.Glu844Lys (NM_001171653.2); short protein forms E868K, E844K.
Identifiers: ClinVar variation 425214 (VCV000425214.45), dbSNP rs921397888, ClinGen allele CA16621757.

ClinVar aggregate classification (germline): Uncertain significance. Review status: criteria provided, multiple submitters, no conflicts (2 of 4 stars). 2 submissions from 2 submitters: Uncertain significance (2). Last evaluated 2024-02-29.

Conditions:
Mowat-Wilson syndrome (MOWS). Also called: Classic Mowat-Wilson Syndrome. Identifiers: Orphanet 2152, MedGen C1856113, MONDO:0009341, OMIM 235730.

Allele frequency attached by ClinVar (database versions not stated): gnomAD exomes below 0.00001 and 0.00001; gnomAD 0.00001; TOPMed 0.00001.
gnomAD v4.1: 17 of 1,614,012 alleles (0.0011%); highest among the groups gnomAD compares: Non-Finnish European, 0.0014%; no homozygotes.

Submissions (2):

Labcorp Genetics (formerly Invitae), Labcorp
Classification: Uncertain significance for Mowat-Wilson syndrome. Last evaluated: 2024-02-29. Review status: criteria provided, single submitter. Criteria: Invitae Variant Classification Sherloc (09022015). Collection method: clinical testing. Allele origin: germline.
Comment: This sequence change replaces glutamic acid, which is acidic and polar, with lysine, which is basic and polar, at codon 868 of the ZEB2 protein (p.Glu868Lys). This variant is present in population databases (no rsID available, gnomAD 0.0009%). This variant has not been reported in the literature in individuals affected with ZEB2-related conditions. ClinVar contains an entry for this variant (Variation ID: 425214). Advanced modeling of protein sequence and biophysical properties (such as structural, functional, and spatial information, amino acid conservation, physicochemical variation, residue mobility, and thermodynamic stability) has been performed at Invitae for this missense variant, however the output from this modeling did not meet the statistical confidence thresholds required to predict the impact of this variant on ZEB2 protein function. In summary, the available evidence is currently insufficient to determine the role of this variant in disease. Therefore, it has been classified as a Variant of Uncertain Significance.

CeGaT Center for Human Genetics Tuebingen
Classification: Uncertain significance. Last evaluated: 2016-12-01. Review status: criteria provided, single submitter. Criteria: CeGaT Center For Human Genetics Tuebingen Variant Classification Criteria Version 2. Collection method: clinical testing. Allele origin: germline. Affected: yes. Observed: 1 variant allele.